The following is an entry in ClinVar:

ClinVar aggregate classification (germline): Conflicting classifications of pathogenicity. Review status: criteria provided, conflicting classifications (1 of 4 stars). 3 submissions from 3 submitters: Uncertain significance (1); Likely benign (1). 1 of the submissions does not count toward it. Last evaluated 2018-02-19.

Conditions:
ALDH18A1-related de Barsy syndrome. Also called: DE BARSY SYNDROME A; Cutis laxa, autosomal recessive IIIA. Identifiers: Orphanet 2962, Orphanet 35664, MedGen C5234852, MONDO:0009053, OMIM 219150.
ALDH18A1-related disorder. Also called: ALDH18A1-related disorders.

Allele frequency attached by ClinVar (database versions not stated): 1000 Genomes Project 30x 0.00047; 1000 Genomes Project 0.00080; gnomAD 0.00119; TOPMed 0.00122; gnomAD exomes 0.00376.
gnomAD v4.1: 179 of 152,632 alleles (0.12%); highest among the groups gnomAD compares: Admixed American, 0.21%; no homozygotes.

Submissions (3):

GeneDx
Classification: Likely benign. Last evaluated: 2018-02-19. Review status: criteria provided, single submitter. Criteria: GeneDx Variant Classification (06012015). Collection method: clinical testing. Allele origin: germline. Affected: yes.
Comment: This variant is considered likely benign or benign based on one or more of the following criteria: it is a conservative change, it occurs at a poorly conserved position in the protein, it is predicted to be benign by multiple in silico algorithms, and/or has population frequency not consistent with disease.

Illumina Laboratory Services, Illumina
Classification: Uncertain significance for ALDH18A1-related de Barsy syndrome. Last evaluated: 2018-01-13. Review status: criteria provided, single submitter. Criteria: ICSL Variant Classification Criteria 13 December 2019. Collection method: clinical testing. Allele origin: germline.

PreventionGenetics, part of Exact Sciences
Classification: Likely benign for ALDH18A1-related condition. Last evaluated: 2021-12-01. Review status: no assertion criteria provided. Collection method: clinical testing. Allele origin: germline. Not counted in ClinVar's aggregate classification.
Comment: This variant is classified as likely benign based on ACMG/AMP sequence variant interpretation guidelines (Richards et al. 2015 PMID: 25741868, with internal and published modifications).

NM_002860.4(ALDH18A1):c.-29+10G>A

Gene: ALDH18A1 (aldehyde dehydrogenase 18 family member A1; minus strand). Cytogenetic location: 10q24.1.
Variant type: single nucleotide variant.
Coding change: c.-29+10G>A on transcript NM_002860.4 (MANE Select); 10 bases into the intron after 29 bases upstream of the start codon, G replaced by A.
Molecular consequence: intron variant. On other transcripts: 5 prime UTR variant (5).
Genome position (GRCh38, 1-based): chr10:95,656,587, C>T on the plus strand (G>A on the coding strand, the complement: ALDH18A1 is on the minus strand). VCF-style: chr10-95656587-C-T. GRCh37 (hg19) VCF-style: chr10-97416344-C-T.
Other names: c.-170G>A (NM_001323413.2, NM_001323415.2); c.-327G>A (NM_001323414.2); c.-288G>A (NM_001323416.2, NM_001323418.2); c.-195+10G>A (NM_001323419.2); c.-147+10G>A (NM_001323412.2); c.-29+10G>A (NM_001323417.2, NM_001017423.2).
Identifiers: ClinVar variation 301778 (VCV000301778.7), dbSNP rs571140165, ClinGen allele CA10636614.
Genomic context (GRCh38, chr10:95,656,587, plus strand): 5'-TTGAGCCTGGGCGCGCAACAGCTTCCGCAGAGACGCGGGCGCCTAGCCATCCCCGCCGCT[C>T]GCCGCGTACCTTCCTCACCACCGCCGCCTTCGCCCCCTGGCACTACCGCGGGTCCGCACT-3'